The following is an entry in ClinVar:

ClinVar aggregate classification (germline): Uncertain significance (1 of 4 stars; one submission).

gnomAD v4.1: 1 of 1,607,300 alleles (0.000062%); no homozygotes.

Submission:

Labcorp Genetics (formerly Invitae), Labcorp
Classification: Uncertain significance. Last evaluated: 2022-08-12. Review status: criteria provided, single submitter. Criteria: Invitae Variant Classification Sherloc (09022015). Collection method: clinical testing. Allele origin: germline.
Comment: In summary, the available evidence is currently insufficient to determine the role of this variant in disease. Therefore, it has been classified as a Variant of Uncertain Significance. This variant is not present in population databases (gnomAD no frequency). This sequence change replaces proline, which is neutral and non-polar, with alanine, which is neutral and non-polar, at codon 383 of the PITPNM3 protein (p.Pro383Ala). This variant has not been reported in the literature in individuals affected with PITPNM3-related conditions. Algorithms developed to predict the effect of missense changes on protein structure and function (SIFT, PolyPhen-2, Align-GVGD) all suggest that this variant is likely to be tolerated.

NM_031220.4(PITPNM3):c.1147C>G (p.Pro383Ala)

Gene: PITPNM3 (PITPNM family member 3; minus strand). Cytogenetic location: 17p13.2.
Variant type: single nucleotide variant.
Coding change: c.1147C>G on transcript NM_031220.4 (MANE Select); coding-DNA position 1147, C replaced by G.
Protein change: p.Pro383Ala; replaces proline 383 with alanine.
Molecular consequence: missense variant.
Genome position (GRCh38, 1-based): chr17:6,474,543, G>C on the plus strand (C>G on the coding strand, the complement: PITPNM3 is on the minus strand). VCF-style: chr17-6474543-G-C. GRCh37 (hg19) VCF-style: chr17-6377863-G-C.
Other names: c.1039C>G, p.Pro347Ala (NM_001165966.2); short protein forms P347A, P383A.
Identifiers: ClinVar variation 1716271 (VCV001716271.5), dbSNP rs1597370101, ClinGen allele CA397406898.